The following is an entry in ClinVar:

NM_199420.4(POLQ):c.3400G>A (p.Val1134Met)

Gene: POLQ (DNA polymerase theta; minus strand). Cytogenetic location: 3q13.33.
Variant type: single nucleotide variant.
Coding change: c.3400G>A on transcript NM_199420.4 (MANE Select); coding-DNA position 3400, G replaced by A.
Protein change: p.Val1134Met; replaces valine 1134 with methionine.
Molecular consequence: missense variant.
Genome position (GRCh38, 1-based): chr3:121,489,531, C>T on the plus strand (G>A on the coding strand, the complement: POLQ is on the minus strand). VCF-style: chr3-121489531-C-T. GRCh37 (hg19) VCF-style: chr3-121208378-C-T.
Other names: short protein forms V1134M.
Identifiers: ClinVar variation 3229933 (VCV003229933.1), dbSNP rs2546787425, ClinGen allele CA354100257.

ClinVar aggregate classification (germline): Uncertain significance (1 of 4 stars; one submission).

Submission:

Ambry Genetics
Classification: Uncertain significance. Last evaluated: 2023-10-22. Review status: criteria provided, single submitter. Criteria: Ambry Variant Classification Scheme 2023. Collection method: clinical testing. Allele origin: germline.
Comment: The p.V1134M variant (also known as c.3400G>A), located in coding exon 16 of the POLQ gene, results from a G to A substitution at nucleotide position 3400. The valine at codon 1134 is replaced by methionine, an amino acid with highly similar properties. This amino acid position is conserved. In addition, this alteration is predicted to be tolerated by in silico analysis. Since supporting evidence is limited at this time, the clinical significance of this alteration remains unclear.